The following is an entry in ClinVar:

ClinVar aggregate classification (germline): Uncertain significance (1 of 4 stars; one submission).

Submission:

GeneDx
Classification: Uncertain significance. Last evaluated: 2025-06-03. Review status: criteria provided, single submitter. Criteria: GeneDx Variant Classification Process June 2021. Collection method: clinical testing. Allele origin: germline.
Comment: Not observed at significant frequency in large population cohorts (gnomAD); In silico analysis supports that this missense variant has a deleterious effect on protein structure/function; Has not been previously published as pathogenic or benign to our knowledge

NM_007327.4(GRIN1):c.284C>A (p.Pro95Gln)

Gene: GRIN1 (glutamate ionotropic receptor NMDA type subunit 1; plus strand). Cytogenetic location: 9q34.3.
Variant type: single nucleotide variant.
Coding change: c.284C>A on transcript NM_007327.4 (MANE Select); coding-DNA position 284, C replaced by A.
Protein change: p.Pro95Gln; replaces proline 95 with glutamine.
Molecular consequence: missense variant.
Genome position (GRCh38, 1-based): chr9:137,142,038, C>A. VCF-style: chr9-137142038-C-A. GRCh37 (hg19) VCF-style: chr9-140036490-C-A.
Other names: c.284C>A, p.Pro95Gln (NM_000832.7, NM_001185090.2, NM_001185091.2 and 1 more transcripts); short protein forms P95Q.
Identifiers: ClinVar variation 3343687 (VCV003343687.2).
Genomic context (GRCh38, chr9:137,142,038, plus strand): 5'-CTGACTCAAGCTGATCATGTCTCCTGTGTCCACAGGTCTACGCCATCCTAGTTAGCCATC[C>A]ACCTACCCCCAACGACCACTTCACTCCCACCCCTGTCTCCTACACAGCCGGCTTCTACCG-3'
Protein context (NP_015566.1, residues 85-105): SQVYAILVSH[Pro95Gln]PTPNDHFTPT